The following is an entry in ClinVar:

ClinVar aggregate classification (germline): Uncertain significance (1 of 4 stars; one submission).

Conditions:
Intellectual developmental disorder, autosomal recessive 7. Also called: Intellectual disability, autosomal recessive 7. Identifiers: Orphanet 88616, MedGen C1970197, MONDO:0012615, OMIM 611093.

Submission:

Labcorp Genetics (formerly Invitae), Labcorp
Classification: Uncertain significance for Intellectual developmental disorder, autosomal recessive 7. Last evaluated: 2022-11-23. Review status: criteria provided, single submitter. Criteria: Invitae Variant Classification Sherloc (09022015). Collection method: clinical testing. Allele origin: germline.
Comment: In summary, the available evidence is currently insufficient to determine the role of this variant in disease. Therefore, it has been classified as a Variant of Uncertain Significance. This variant has not been reported in the literature in individuals affected with TUSC3-related conditions. A copy number gain of the genomic region encompassing the full coding sequence of the TUSC3 gene has been identified. The boundaries of this event are unknown as they extend beyond the assayed region for this gene and therefore may encompass additional genes. As the precise location of this event is unknown, it may be in tandem or it may be located elsewhere in the genome.

NC_000008.10:g.(?_15397940)_(15615318_?)dup

Gene: TUSC3 (tumor suppressor candidate 3; plus strand). Cytogenetic location: 8p22.
Variant type: Duplication.
Identifiers: ClinVar variation 1400888 (VCV001400888.8).